The following is an entry in ClinVar:

NM_001931.5(DLAT):c.1290+5G>A

Gene: DLAT (dihydrolipoamide S-acetyltransferase; plus strand). Cytogenetic location: 11q23.1.
Variant type: single nucleotide variant.
Coding change: c.1290+5G>A on transcript NM_001931.5 (MANE Select); 5 bases into the intron after coding-DNA position 1290, G replaced by A.
Molecular consequence: intron variant.
Genome position (GRCh38, 1-based): chr11:112,045,235, G>A. VCF-style: chr11-112045235-G-A. GRCh37 (hg19) VCF-style: chr11-111915959-G-A.
Other names: c.828+5G>A (NM_001372042.1); c.1290+5G>A (NM_001372031.1, NM_001372033.1, NM_001372035.1); c.1284+5G>A (NM_001372032.1); c.975+5G>A (NM_001372039.1, NM_001372041.1); c.1011+5G>A (NM_001372038.1); c.909+5G>A (NM_001372040.1); c.1257+5G>A (NM_001372034.1); c.1164+5G>A (NM_001372036.1); and 1 more.
Identifiers: ClinVar variation 1522378 (VCV001522378.5), dbSNP rs886047694, ClinGen allele CA10629851.

ClinVar aggregate classification (germline): Uncertain significance (1 of 4 stars; one submission).

Conditions:
Pyruvate dehydrogenase E2 deficiency (PDHDD). Also called: Dihydrolipoamide Acetyltransferase (E2) Deficiency; LACTIC ACIDEMIA DUE TO DEFECT OF E2 LIPOYL TRANSACETYLASE OF THE PYRUVATE DEHYDROGENASE COMPLEX. Identifiers: Orphanet 765, Orphanet 79244, MedGen C1855565, MONDO:0009502, OMIM 245348.

Submission:

Labcorp Genetics (formerly Invitae), Labcorp
Classification: Uncertain significance for Pyruvate dehydrogenase E2 deficiency. Last evaluated: 2021-04-02. Review status: criteria provided, single submitter. Criteria: Invitae Variant Classification Sherloc (09022015). Collection method: clinical testing. Allele origin: germline.
Comment: In summary, the available evidence is currently insufficient to determine the role of this variant in disease. Therefore, it has been classified as a Variant of Uncertain Significance. Nucleotide substitutions within the consensus splice site are a relatively common cause of aberrant splicing (PMID: 17576681, 9536098). Algorithms developed to predict the effect of sequence changes on RNA splicing suggest that this variant may disrupt the consensus splice site, but this prediction has not been confirmed by published transcriptional studies. This variant has not been reported in the literature in individuals with DLAT-related conditions. This variant is not present in population databases (ExAC no frequency). This sequence change falls in intron 9 of the DLAT gene. It does not directly change the encoded amino acid sequence of the DLAT protein. It affects a nucleotide within the consensus splice site of the intron.

Literature cited by the submitters: PubMed 17576681; PubMed 9536098.